The following is an entry in ClinVar:

ClinVar aggregate classification (germline): Uncertain significance (1 of 4 stars; one submission).

gnomAD v4.1: 1 of 1,614,148 alleles (0.000062%); no homozygotes.

Submission:

Labcorp Genetics (formerly Invitae), Labcorp
Classification: Uncertain significance. Last evaluated: 2026-01-19. Review status: criteria provided, single submitter. Criteria: Invitae Variant Classification Sherloc (09022015). Collection method: clinical testing. Allele origin: germline.
Comment: This sequence change replaces arginine, which is basic and polar, with proline, which is neutral and non-polar, at codon 255 of the TWNK protein (p.Arg255Pro). This variant is not present in population databases (gnomAD no frequency). This variant has not been reported in the literature in individuals affected with TWNK-related conditions. ClinVar contains an entry for this variant (Variation ID: 1914043). Invitae Evidence Modeling of protein sequence and biophysical properties (such as structural, functional, and spatial information, amino acid conservation, physicochemical variation, residue mobility, and thermodynamic stability) has been performed for this missense variant. However, the output from this modeling did not meet the statistical confidence thresholds required to predict the impact of this variant on TWNK protein function. In summary, the available evidence is currently insufficient to determine the role of this variant in disease. Therefore, it has been classified as a Variant of Uncertain Significance.

NM_021830.5(TWNK):c.764G>C (p.Arg255Pro)

Gene: TWNK (twinkle mtDNA helicase; plus strand). Cytogenetic location: 10q24.31.
Variant type: single nucleotide variant.
Coding change: c.764G>C on transcript NM_021830.5 (MANE Select); coding-DNA position 764, G replaced by C.
Protein change: p.Arg255Pro; replaces arginine 255 with proline.
Molecular consequence: missense variant. On other transcripts: non-coding transcript variant (4), intron variant (3).
Genome position (GRCh38, 1-based): chr10:100,988,974, G>C. VCF-style: chr10-100988974-G-C. GRCh37 (hg19) VCF-style: chr10-102748731-G-C.
Other names: c.764G>C, p.Arg255Pro (NM_001163812.2); c.-119-670G>C (NM_001163814.2, NM_001163813.2); c.-57-732G>C (NM_001368275.1); short protein forms R255P.
Identifiers: ClinVar variation 1914043 (VCV001914043.5), dbSNP rs1564808222, ClinGen allele CA378208400.